The following is an entry in ClinVar:

NM_024006.6(VKORC1):c.173+324T>G

Gene: VKORC1 (vitamin K epoxide reductase complex subunit 1; minus strand). Cytogenetic location: 16p11.2.
Variant type: single nucleotide variant.
Coding change: c.173+324T>G on transcript NM_024006.6 (MANE Select); 324 bases into the intron after coding-DNA position 173, T replaced by G.
Molecular consequence: intron variant.
Genome position (GRCh38, 1-based): chr16:31,094,233, A>C on the plus strand (T>G on the coding strand, the complement: VKORC1 is on the minus strand). VCF-style: chr16-31094233-A-C. GRCh37 (hg19) VCF-style: chr16-31105554-A-C.
Other names: c.173+324T>G (NM_206824.3, NM_001311311.2).
Identifiers: ClinVar variation 225983 (VCV000225983.3), dbSNP rs2884737, ClinGen allele CA8021233.

ClinVar aggregate classification (germline): drug response (3 of 4 stars; one submission).

Conditions:
warfarin response - Dosage. Identifiers: MedGen CN322729.

Allele frequency attached by ClinVar (database versions not stated): 1000 Genomes Project 0.09145; gnomAD 0.17852 and 0.18190; ESP Exome Variant Server 0.20684; gnomAD exomes 0.19176 and 0.23272; ExAC 0.19190; 1000 Genomes Project 30x 0.09244; TOPMed 0.17214.
gnomAD v4.1: 365,022 of 1,605,870 alleles (23%); highest among the groups gnomAD compares: Middle Eastern, 41%; 46,667 homozygotes.

Submission:

ClinPGx
Classification: drug response for warfarin response - Dosage. Last evaluated: 2021-03-24. Review status: reviewed by expert panel. Criteria: Pharmacogenomics knowledge for personalized medicine. Collection method: curation. Allele origin: germline. Affected: yes.
Comment: PharmGKB Level of Evidence 2A: Variants in Level 2A clinical annotations are found in PharmGKB’s Tier 1 Very Important Pharmacogenes (VIPs). These variants are in known pharmacogenes, implying causation of drug phenotype is more likely. These clinical annotations describe variant-drug combinations with a moderate level of evidence supporting the association. For example, the association may be found in multiple cohorts, but there may be a minority of studies that do not support the majority assertion. Level 2A clinical annotations must be supported by at least two independent publications.

Literature cited by the submitters: PubMed 16611750; PubMed 18030307; PubMed 18322281; PubMed 20072124; PubMed 24019055.